The following is an entry in ClinVar:

ClinVar aggregate classification (germline): Uncertain significance (1 of 4 stars; one submission).

Conditions:
Cryptosporidiosis-chronic cholangitis-liver disease syndrome. Also called: IL21R immunodeficiency; Immunodeficiency type 56. Identifiers: Orphanet 357329, MedGen C3554687, MONDO:0014082, OMIM 615207.

Allele frequency attached by ClinVar (database versions not stated): TOPMed 0.00001; gnomAD 0.00002; ExAC 0.00007; 1000 Genomes Project 30x 0.00016; 1000 Genomes Project 0.00020.
gnomAD v4.1: 82 of 1,613,544 alleles (0.0051%); highest among the groups gnomAD compares: Middle Eastern, 0.12%; no homozygotes.

Submission:

Labcorp Genetics (formerly Invitae), Labcorp
Classification: Uncertain significance for Cryptosporidiosis-chronic cholangitis-liver disease syndrome. Last evaluated: 2022-08-02. Review status: criteria provided, single submitter. Criteria: Invitae Variant Classification Sherloc (09022015). Collection method: clinical testing. Allele origin: germline.
Comment: This sequence change replaces glycine, which is neutral and non-polar, with valine, which is neutral and non-polar, at codon 359 of the IL21R protein (p.Gly359Val). This variant is present in population databases (rs551751922, gnomAD 0.03%). This variant has not been reported in the literature in individuals affected with IL21R-related conditions. Algorithms developed to predict the effect of missense changes on protein structure and function (SIFT, PolyPhen-2, Align-GVGD) all suggest that this variant is likely to be tolerated. In summary, the available evidence is currently insufficient to determine the role of this variant in disease. Therefore, it has been classified as a Variant of Uncertain Significance.

NM_181078.3(IL21R):c.1076G>T (p.Gly359Val)

Genes: IL21R (interleukin 21 receptor; plus strand), IL21R-AS1 (IL21R antisense RNA 1; minus strand). Cytogenetic location: 16p12.1.
Variant type: single nucleotide variant.
Coding change: c.1076G>T on transcript NM_181078.3 (MANE Select); coding-DNA position 1076, G replaced by T.
Protein change: p.Gly359Val; replaces glycine 359 with valine.
Molecular consequence: missense variant. On other transcripts: non-coding transcript variant (1).
Genome position (GRCh38, 1-based): chr16:27,448,742, G>T. VCF-style: chr16-27448742-G-T. GRCh37 (hg19) VCF-style: chr16-27460063-G-T.
Other names: c.1076G>T, p.Gly359Val (NM_021798.4); c.1142G>T, p.Gly381Val (NM_181079.5); short protein forms G359V, G381V.
Identifiers: ClinVar variation 2062411 (VCV002062411.1), dbSNP rs551751922, ClinGen allele CA7975149.